The following is an entry in ClinVar:

NM_015046.7(SETX):c.*2190A>G

Gene: SETX (senataxin; minus strand). Cytogenetic location: 9q34.13.
Variant type: single nucleotide variant.
Coding change: c.*2190A>G on transcript NM_015046.7 (MANE Select); 2190 bases downstream of the stop codon, A replaced by G.
Molecular consequence: 3 prime UTR variant.
Genome position (GRCh38, 1-based): chr9:132,262,049, T>C on the plus strand (A>G on the coding strand, the complement: SETX is on the minus strand). VCF-style: chr9-132262049-T-C. GRCh37 (hg19) VCF-style: chr9-135137436-T-C.
Other names: c.*2190A>G (NM_001351527.2, NM_001351528.2).
Identifiers: ClinVar variation 914424 (VCV000914424.4), dbSNP rs531640605, ClinGen allele CA200792509.
Genomic context (GRCh38, chr9:132,262,049, plus strand): 5'-TTGGCAAATACTTGTACCAACTGGAACGAGTGAAGTTTCAAAAGTAATGTGAGGTACAAC[T>C]GCATTCCGCTGTGAAAGGCCGTCACAGGACACAGGCTCGTCTGTTAGAAAGGATGATCTA-3'

ClinVar aggregate classification (germline): Conflicting classifications of pathogenicity. Review status: criteria provided, conflicting classifications (1 of 4 stars). 2 submissions from 1 submitter: Uncertain significance (1); Benign (1). Last evaluated 2018-01-13.

Conditions:
Amyotrophic lateral sclerosis type 4 (ALS4). Also called: AMYOTROPHIC LATERAL SCLEROSIS 4, JUVENILE; NEURONOPATHY, DISTAL HEREDITARY MOTOR, WITH PYRAMIDAL FEATURES. Identifiers: Orphanet 357043, MedGen C1865409, MONDO:0011223, OMIM 602433.
Spinocerebellar ataxia, autosomal recessive, with axonal neuropathy 2 (SCAN2). Also called: ATAXIA-OCULOMOTOR APRAXIA 2; Ataxia-ocular apraxia-2; Ataxia with Oculomotor Apraxia; Ataxia with Oculomotor Apraxia Type 2. Identifiers: Orphanet 64753, MedGen C1853761, MONDO:0018996, OMIM 606002.

Allele frequency attached by ClinVar (database versions not stated): gnomAD below 0.00001 and 0.00003; TOPMed below 0.00001; 1000 Genomes Project 30x 0.00031; 1000 Genomes Project 0.00040.

Submissions (2):

Illumina Laboratory Services, Illumina
Classification: Uncertain significance for Spinocerebellar ataxia, autosomal recessive, with axonal neuropathy 2. Last evaluated: 2018-01-13. Review status: criteria provided, single submitter. Criteria: ICSL Variant Classification Criteria 13 December 2019. Collection method: clinical testing. Allele origin: germline.

Illumina Laboratory Services, Illumina
Classification: Benign for Amyotrophic lateral sclerosis type 4. Last evaluated: 2018-01-13. Review status: criteria provided, single submitter. Criteria: ICSL Variant Classification Criteria 13 December 2019. Collection method: clinical testing. Allele origin: germline.
Comment: This variant was observed in the ICSL laboratory as part of a predisposition screen in an ostensibly healthy population. It had not been previously curated by ICSL or reported in the Human Gene Mutation Database (HGMD: prior to June 1st, 2018), and was therefore a candidate for classification through an automated scoring system. Utilizing variant allele frequency, disease prevalence and penetrance estimates, and inheritance mode, an automated score was calculated to assess if this variant is too frequent to cause the disease. Based on the score and internal cut-off values, a variant classified as benign is not then subjected to further curation. The score for this variant resulted in a classification of benign for this disease.